The following is an entry in ClinVar:

NM_015404.4(WHRN):c.385G>A (p.Gly129Ser)

Gene: WHRN (whirlin; minus strand). Cytogenetic location: 9q32.
Variant type: single nucleotide variant.
Coding change: c.385G>A on transcript NM_015404.4 (MANE Select); coding-DNA position 385, G replaced by A.
Protein change: p.Gly129Ser; replaces glycine 129 with serine.
Molecular consequence: missense variant.
Genome position (GRCh38, 1-based): chr9:114,504,417, C>T on the plus strand (G>A on the coding strand, the complement: WHRN is on the minus strand). VCF-style: chr9-114504417-C-T. GRCh37 (hg19) VCF-style: chr9-117266697-C-T.
Other names: c.385G>A, p.Gly129Ser (NM_001173425.2); short protein forms G129S.
Identifiers: ClinVar variation 3361910 (VCV003361910.1).

ClinVar aggregate classification (germline): Uncertain significance (1 of 4 stars; one submission).

Submission:

GeneDx
Classification: Uncertain significance. Last evaluated: 2023-08-03. Review status: criteria provided, single submitter. Criteria: GeneDx Variant Classification Process June 2021. Collection method: clinical testing. Allele origin: germline. Affected: yes.
Comment: Not observed at significant frequency in large population cohorts (gnomAD); In silico analysis supports that this missense variant does not alter protein structure/function; Has not been previously published as pathogenic or benign to our knowledge